The following is an entry in ClinVar:

NM_004963.4(GUCY2C):c.2774C>G (p.Ser925Cys)

Gene: GUCY2C (guanylate cyclase 2C; minus strand). Cytogenetic location: 12p12.3.
Variant type: single nucleotide variant.
Coding change: c.2774C>G on transcript NM_004963.4 (MANE Select); coding-DNA position 2774, C replaced by G.
Protein change: p.Ser925Cys; replaces serine 925 with cysteine.
Molecular consequence: missense variant.
Genome position (GRCh38, 1-based): chr12:14,621,044, G>C on the plus strand (C>G on the coding strand, the complement: GUCY2C is on the minus strand). VCF-style: chr12-14621044-G-C. GRCh37 (hg19) VCF-style: chr12-14773978-G-C.
Other names: short protein forms S925C.
Identifiers: ClinVar variation 4701286 (VCV004701286.1).
Genomic context (GRCh38, chr12:14,621,044, plus strand): 5'-TAGTTGGTGCACAGCAGTACATATGGTTCCCAATTTGCTAAGATGCTCAACTCCATACCA[G>C]AGTGAACTCCAATGCGAATCCATATTGGGAGGCCAGGAAGATGCTCCAGCTCAAAGGTCC-3'
Protein context (NP_004954.2, residues 915-935): LPIWIRIGVH[Ser925Cys]GPCAAGVVGI

ClinVar aggregate classification (germline): Uncertain significance (1 of 4 stars; one submission).

gnomAD v4.1: 7 of 1,613,058 alleles (0.00043%); highest among the groups gnomAD compares: African/African-American, 0.0093%; no homozygotes.

Submission:

Labcorp Genetics (formerly Invitae), Labcorp
Classification: Uncertain significance. Last evaluated: 2025-05-30. Review status: criteria provided, single submitter. Criteria: Invitae Variant Classification Sherloc (09022015). Collection method: clinical testing. Allele origin: germline.
Comment: This sequence change replaces serine, which is neutral and polar, with cysteine, which is neutral and slightly polar, at codon 925 of the GUCY2C protein (p.Ser925Cys). This variant is present in population databases (rs778436794, gnomAD 0.01%). This variant has not been reported in the literature in individuals affected with GUCY2C-related conditions. An algorithm developed to predict the effect of missense changes on protein structure and function (PolyPhen-2) suggests that this variant is likely to be disruptive. In summary, the available evidence is currently insufficient to determine the role of this variant in disease. Therefore, it has been classified as a Variant of Uncertain Significance.